The following is an entry in ClinVar:

NM_000492.4(CFTR):c.2617G>T (p.Glu873Ter)

Gene: CFTR (CF transmembrane conductance regulator; plus strand). Cytogenetic location: 7q31.2.
Variant type: single nucleotide variant.
Coding change: c.2617G>T on transcript NM_000492.4 (MANE Select); coding-DNA position 2617, G replaced by T.
Protein change: p.Glu873Ter; replaces glutamic acid 873 with a stop codon.
Molecular consequence: nonsense.
Genome position (GRCh38, 1-based): chr7:117,595,056, G>T. VCF-style: chr7-117595056-G-T. GRCh37 (hg19) VCF-style: chr7-117235110-G-T.
Other names: c.2617G>T (NM_000492.3); short protein forms E873*.
Identifiers: ClinVar variation 983582 (VCV000983582.5), dbSNP rs1792100143, ClinGen allele CA368984098.

ClinVar aggregate classification (germline): Likely pathogenic. Review status: criteria provided, multiple submitters, no conflicts (2 of 4 stars). 2 submissions from 2 submitters: Likely pathogenic (2). Last evaluated 2025-04-01.

Conditions:
CFTR-related disorder (CFTR-RD). Also called: CFTR-related disorders; CFTR-related condition. Identifiers: MedGen C5924204, MONDO:7770004.
Cystic fibrosis (CF). Also called: MUCOVISCIDOSIS. Identifiers: Orphanet 586, MedGen C0010674, MONDO:0009061, OMIM 219700. Disease mechanism: loss of function.

Submissions (2):

Natera, Inc.
Classification: Likely pathogenic for CFTR-related disorders. Last evaluated: 2025-04-01. Review status: criteria provided, single submitter. Criteria: Natera Variant Classification Schema (03/2026). Collection method: clinical testing. Allele origin: germline.
Comment: The c.2617G>T variant in CFTR is a nonsense variant predicted to introduce a stop codon at amino acid 873. This variant is expected to result in nonsense mediated decay, truncation, or a dysfunctional protein product. This variant is rare in the general population with a frequency below the threshold expected for the associated phenotype(s). Given the available evidence, this variant is classified as Likely Pathogenic.

Myriad Genetics, Inc.
Classification: Likely pathogenic for Cystic fibrosis. Last evaluated: 2019-12-22. Review status: criteria provided, single submitter. Criteria: Myriad Women's Health Autosomal Recessive and X-Linked Classification Criteria (2019). Collection method: clinical testing. Allele origin: unknown.
Comment: NM_000492.3(CFTR):c.2617G>T(E873*) is expected to be pathogenic in the context of cystic fibrosis. This variant is predicted to lead to an abnormal or absent protein product due to the creation of a premature termination codon in CFTR, a gene where loss-of-function variants are known to be pathogenic. Please note: this variant was assessed in the context of healthy population screening.